The following is an entry in ClinVar:

NM_000090.4(COL3A1):c.2396A>T (p.Glu799Val)

Genes: COL3A1 (collagen type III alpha 1 chain; plus strand), LOC126806446 (P300/CBP strongly-dependent group 1 enhancer GRCh37_chr2:189866210-189867409; plus strand). Cytogenetic location: 2q32.2.
Variant type: single nucleotide variant.
Coding change: c.2396A>T on transcript NM_000090.4 (MANE Select); coding-DNA position 2396, A replaced by T.
Protein change: p.Glu799Val; replaces glutamic acid 799 with valine.
Molecular consequence: missense variant.
Genome position (GRCh38, 1-based): chr2:189,002,302, A>T. VCF-style: chr2-189002302-A-T. GRCh37 (hg19) VCF-style: chr2-189867028-A-T.
Other names: short protein forms E799V.
Identifiers: ClinVar variation 2702718 (VCV002702718.3), dbSNP rs2469149358, ClinGen allele CA349842584.

ClinVar aggregate classification (germline): Uncertain significance (1 of 4 stars; one submission).

Conditions:
Ehlers-Danlos syndrome, type 4 (EDSVASC). Also called: Ehlers-Danlos Syndrome Type IV; Ehlers-Danlos syndrome vascular type; Ehlers Danlos syndrome, ecchymotic type; Ehlers Danlos syndrome, arterial type; Ehlers Danlos syndrome, Sack-Barabas type. Identifiers: Orphanet 286, MedGen C0268338, MONDO:0017314, OMIM 130050.

Submission:

Labcorp Genetics (formerly Invitae), Labcorp
Classification: Uncertain significance for Ehlers-Danlos syndrome, type 4. Last evaluated: 2023-12-13. Review status: criteria provided, single submitter. Criteria: Invitae Variant Classification Sherloc (09022015). Collection method: clinical testing. Allele origin: germline.
Comment: This sequence change replaces glutamic acid, which is acidic and polar, with valine, which is neutral and non-polar, at codon 799 of the COL3A1 protein (p.Glu799Val). This variant is not present in population databases (gnomAD no frequency). This variant has not been reported in the literature in individuals affected with COL3A1-related conditions. Advanced modeling of protein sequence and biophysical properties (such as structural, functional, and spatial information, amino acid conservation, physicochemical variation, residue mobility, and thermodynamic stability) performed at Invitae indicates that this missense variant is expected to disrupt COL3A1 protein function with a positive predictive value of 95%. In summary, the available evidence is currently insufficient to determine the role of this variant in disease. Therefore, it has been classified as a Variant of Uncertain Significance.